The following is an entry in ClinVar:

Conditions:
Breast-ovarian cancer, familial, susceptibility to, 1 (BROVCA1). Also called: BRCA1 Hereditary Breast and Ovarian Cancer; OVARIAN CANCER, SUSCEPTIBILITY TO. Identifiers: Orphanet 145, MedGen C2676676, MONDO:0011450, OMIM 604370. Disease mechanism: loss of function.

Submission:

Brotman Baty Institute, University of Washington
No classification provided (evidence only). Condition: Breast-ovarian cancer, familial 1. Review status: no classification provided. Collection method: in vitro. Allele origin: not applicable. Functional consequence: functionally_abnormal.
ClinVar note: "not provided" was previously submitted as the classification for the variant. However, the classification appeared to be based only on an observation of functional data so it was converted to no classification on 2025-07-30.

NM_007294.4(BRCA1):c.5472T>G (p.Ile1824Met)

Gene: BRCA1 (BRCA1 DNA repair associated; minus strand). Cytogenetic location: 17q21.31.
Variant type: single nucleotide variant.
Coding change: c.5472T>G on transcript NM_007294.4 (MANE Select); coding-DNA position 5472, T replaced by G.
Protein change: p.Ile1824Met; replaces isoleucine 1824 with methionine.
Molecular consequence: missense variant. On other transcripts: non-coding transcript variant (1).
Genome position (GRCh38, 1-based): chr17:43,045,798, A>C on the plus strand (T>G on the coding strand, the complement: BRCA1 is on the minus strand). VCF-style: chr17-43045798-A-C. GRCh37 (hg19) VCF-style: chr17-41197815-A-C.
Other names: c.5472T>G, p.Ile1824Met (NM_001407598.1, NM_001407602.1, NM_001407603.1 and 5 more transcripts); c.5469T>G, p.Ile1823Met (NM_001407610.1, NM_001407611.1, NM_001407612.1 and 14 more transcripts); c.5343T>G, p.Ile1781Met (NM_001407685.1, NM_001407686.1, NM_001407687.1 and 6 more transcripts); c.5466T>G, p.Ile1822Met (NM_001407627.1, NM_001407628.1, NM_001407629.1 and 13 more transcripts); c.5340T>G, p.Ile1780Met (NM_001407690.1, NM_001407691.1); c.5331T>G, p.Ile1777Met (NM_001407692.1, NM_001407694.1, NM_001407695.1 and 12 more transcripts); c.2157T>G, p.Ile719Met (NM_001408403.1, NM_001408404.1, NM_001408392.1 and 7 more transcripts); c.5463T>G, p.Ile1821Met (NM_001407645.1, NM_001407644.1); and 83 more; short protein forms I1777M, I1824M, I720M, W696G, I1845M, I1712M, I1780M, I1820M.
Identifiers: ClinVar variation 868566 (VCV000868566.3), dbSNP rs2050888912, ClinGen allele CA10590390.